The following is an entry in ClinVar:

ClinVar aggregate classification (germline): Uncertain significance. Review status: criteria provided, multiple submitters, no conflicts (2 of 4 stars). 3 submissions from 3 submitters: Uncertain significance (3). Last evaluated 2024-06-15.

Conditions:
Hereditary cancer-predisposing syndrome. Also called: Tumor predisposition; Hereditary neoplastic syndrome; Neoplastic Syndromes, Hereditary; Hereditary Cancer Syndrome. Identifiers: Orphanet 140162, MedGen C0027672, MeSH D009386, MONDO:0015356.
Familial cancer of breast. Also called: hereditary breast carcinoma; Hereditary breast cancer; BREAST CANCER, FAMILIAL. Identifiers: Orphanet 227535, MedGen C0346153, MONDO:0016419, OMIM 114480. Disease mechanism: loss of function.

Allele frequency attached by ClinVar (database versions not stated): gnomAD exomes below 0.00001.
gnomAD v4.1: 5 of 1,613,194 alleles (0.00031%); highest among the groups gnomAD compares: Non-Finnish European, 0.00042%; no homozygotes.

Submissions (3):

Labcorp Genetics (formerly Invitae), Labcorp
Classification: Uncertain significance for Familial cancer of breast. Last evaluated: 2024-06-15. Review status: criteria provided, single submitter. Criteria: Invitae Variant Classification Sherloc (09022015). Collection method: clinical testing. Allele origin: germline.
Comment: This sequence change replaces threonine, which is neutral and polar, with serine, which is neutral and polar, at codon 378 of the CHEK2 protein (p.Thr378Ser). This variant is not present in population databases (gnomAD no frequency). This variant has not been reported in the literature in individuals affected with CHEK2-related conditions. ClinVar contains an entry for this variant (Variation ID: 818397). Algorithms developed to predict the effect of missense changes on protein structure and function output the following: SIFT: "Not Available"; PolyPhen-2: "Benign"; Align-GVGD: "Not Available". The serine amino acid residue is found in multiple mammalian species, which suggests that this missense change does not adversely affect protein function. In summary, the available evidence is currently insufficient to determine the role of this variant in disease. Therefore, it has been classified as a Variant of Uncertain Significance.

Ambry Genetics
Classification: Uncertain significance for Hereditary cancer-predisposing syndrome. Last evaluated: 2023-10-02. Review status: criteria provided, single submitter. Criteria: Ambry Variant Classification Scheme 2023. Collection method: clinical testing. Allele origin: germline.
Comment: The p.T378S variant (also known as c.1132A>T), located in coding exon 10 of the CHEK2 gene, results from an A to T substitution at nucleotide position 1132. The threonine at codon 378 is replaced by serine, an amino acid with similar properties. This amino acid position is well conserved in available vertebrate species. In addition, this alteration is predicted to be tolerated by in silico analysis. Since supporting evidence is limited at this time, the clinical significance of this alteration remains unclear.

GeneDx
Classification: Uncertain significance. Last evaluated: 2022-02-09. Review status: criteria provided, single submitter. Criteria: GeneDx Variant Classification Process June 2021. Collection method: clinical testing. Allele origin: germline. Affected: yes.
Comment: Not observed at significant frequency in large population cohorts (gnomAD); In silico analysis supports that this missense variant does not alter protein structure/function; Has not been previously published as pathogenic or benign to our knowledge; Also known as c.1261A>T p.(T421S); This variant is associated with the following publications: (PMID: 19782031, 22419737)

NM_007194.4(CHEK2):c.1132A>T (p.Thr378Ser)

Gene: CHEK2 (checkpoint kinase 2; minus strand). Cytogenetic location: 22q12.1.
Variant type: single nucleotide variant.
Coding change: c.1132A>T on transcript NM_007194.4 (MANE Select); coding-DNA position 1132, A replaced by T.
Protein change: p.Thr378Ser; replaces threonine 378 with serine.
Molecular consequence: missense variant.
Genome position (GRCh38, 1-based): chr22:28,695,837, T>A on the plus strand (A>T on the coding strand, the complement: CHEK2 is on the minus strand). VCF-style: chr22-28695837-T-A. GRCh37 (hg19) VCF-style: chr22-29091825-T-A.
Other names: c.1261A>T, p.Thr421Ser (NM_001005735.3); c.931A>T, p.Thr311Ser (NM_001349956.3); c.469A>T, p.Thr157Ser (NM_001257387.3); c.1045A>T, p.Thr349Ser (NM_145862.3); short protein forms T378S, T311S, T349S, T421S, T157S.
Identifiers: ClinVar variation 818397 (VCV000818397.14), dbSNP rs1601723329, ClinGen allele CA411097001.
Genomic context (GRCh38, chr22:28,695,837, plus strand): 5'-AAACAAGAACTTCAGGCGCCAAGTAGGTGGGGGTTCCACATAAGGTTCTCATGAGAGAGG[T>A]CTCTCCCAAAATCTTGGAGTGCCCAAAATCAGTAATCTAAAATTCAGTACAAAAGGGAAT-3'
Protein context (NP_009125.1, residues 368-388): DFGHSKILGE[Thr378Ser]SLMRTLCGTP